The following is an entry in ClinVar:

NM_002180.3(IGHMBP2):c.2858G>T (p.Gly953Val)

Gene: IGHMBP2 (immunoglobulin mu DNA binding protein 2; plus strand). Cytogenetic location: 11q13.3.
Variant type: single nucleotide variant.
Coding change: c.2858G>T on transcript NM_002180.3 (MANE Select); coding-DNA position 2858, G replaced by T.
Protein change: p.Gly953Val; replaces glycine 953 with valine.
Molecular consequence: missense variant.
Genome position (GRCh38, 1-based): chr11:68,939,607, G>T. VCF-style: chr11-68939607-G-T. GRCh37 (hg19) VCF-style: chr11-68707075-G-T.
Other names: short protein forms G953V.
Identifiers: ClinVar variation 998667 (VCV000998667.10), dbSNP rs1859674357, ClinGen allele CA381654930.

ClinVar aggregate classification (germline): Uncertain significance (1 of 4 stars; one submission).

Conditions:
Charcot-Marie-Tooth disease axonal type 2S. Also called: CHARCOT-MARIE-TOOTH DISEASE, AXONAL, AUTOSOMAL RECESSIVE, TYPE 2S; CHARCOT-MARIE-TOOTH NEUROPATHY, TYPE 2S. Identifiers: Orphanet 443073, MedGen C4015349, MONDO:0014511, OMIM 616155.
Autosomal recessive distal spinal muscular atrophy 1. Also called: SEVERE INFANTILE AXONAL NEUROPATHY WITH RESPIRATORY FAILURE; SPINAL MUSCULAR ATROPHY, DIAPHRAGMATIC; NEURONOPATHY, DISTAL HEREDITARY MOTOR, HARDING TYPE VI; NEUROPATHY, DISTAL HEREDITARY MOTOR, AUTOSOMAL RECESSIVE 1; HMN VI; Spinal muscular atrophy with respiratory distress 1. Identifiers: Orphanet 98920, MedGen C1858517, MONDO:0011436, OMIM 604320.

Submission:

Labcorp Genetics (formerly Invitae), Labcorp
Classification: Uncertain significance for Autosomal recessive distal spinal muscular atrophy 1; Charcot-Marie-Tooth disease axonal type 2S. Last evaluated: 2020-01-09. Review status: criteria provided, single submitter. Criteria: Invitae Variant Classification Sherloc (09022015). Collection method: clinical testing. Allele origin: germline.
Comment: Algorithms developed to predict the effect of missense changes on protein structure and function are either unavailable or do not agree on the potential impact of this missense change (SIFT: "Deleterious"; PolyPhen-2: "Probably Damaging"; Align-GVGD: "Class C0"). In summary, the available evidence is currently insufficient to determine the role of this variant in disease. Therefore, it has been classified as a Variant of Uncertain Significance. This variant has not been reported in the literature in individuals with IGHMBP2-related conditions. This sequence change replaces glycine with valine at codon 953 of the IGHMBP2 protein (p.Gly953Val). The glycine residue is moderately conserved and there is a moderate physicochemical difference between glycine and valine. This variant is not present in population databases (ExAC no frequency).